The following is an entry in ClinVar:

NM_000264.5(PTCH1):c.3755A>C (p.His1252Pro)

Gene: PTCH1 (patched 1; minus strand). Cytogenetic location: 9q22.32.
Variant type: single nucleotide variant.
Coding change: c.3755A>C on transcript NM_000264.5 (MANE Select); coding-DNA position 3755, A replaced by C.
Protein change: p.His1252Pro; replaces histidine 1252 with proline.
Molecular consequence: missense variant. On other transcripts: non-coding transcript variant (1).
Genome position (GRCh38, 1-based): chr9:95,449,118, T>G on the plus strand (A>C on the coding strand, the complement: PTCH1 is on the minus strand). VCF-style: chr9-95449118-T-G. GRCh37 (hg19) VCF-style: chr9-98211400-T-G.
Other names: c.3557A>C, p.His1186Pro (NM_001083602.3); c.3752A>C, p.His1251Pro (NM_001083603.3); c.3302A>C, p.His1101Pro (NM_001083604.3, NM_001083605.3, NM_001083606.3 and 1 more transcripts); c.3599A>C, p.His1200Pro (NM_001354918.2); short protein forms H1101P, H1186P, H1200P, H1251P, H1252P.
Identifiers: ClinVar variation 1017324 (VCV001017324.12), dbSNP rs1838210172, ClinGen allele CA374111005.

ClinVar aggregate classification (germline): Uncertain significance. Review status: criteria provided, multiple submitters, no conflicts (2 of 4 stars). 2 submissions from 2 submitters: Uncertain significance (2). Last evaluated 2024-12-05.

Conditions:
Gorlin syndrome. Also called: Nevoid Basal Cell Carcinoma Syndrome; Basal cell nevus syndrome. Identifiers: Orphanet 377, MedGen C0004779, MONDO:0007187.
Hereditary cancer-predisposing syndrome. Also called: Tumor predisposition; Hereditary Cancer Syndrome; Neoplastic Syndromes, Hereditary; Hereditary neoplastic syndrome. Identifiers: Orphanet 140162, MedGen C0027672, MeSH D009386, MONDO:0015356.

Submissions (2):

Ambry Genetics
Classification: Uncertain significance for Hereditary cancer-predisposing syndrome. Last evaluated: 2024-12-05. Review status: criteria provided, single submitter. Criteria: Ambry Variant Classification Scheme 2023. Collection method: clinical testing. Allele origin: germline.
Comment: The p.H1252P variant (also known as c.3755A>C), located in coding exon 22 of the PTCH1 gene, results from an A to C substitution at nucleotide position 3755. The histidine at codon 1252 is replaced by proline, an amino acid with similar properties. This amino acid position is conserved. In addition, the in silico prediction for this alteration is inconclusive. Since supporting evidence is limited at this time, the clinical significance of this alteration remains unclear.

Labcorp Genetics (formerly Invitae), Labcorp
Classification: Uncertain significance for Gorlin syndrome. Last evaluated: 2023-06-27. Review status: criteria provided, single submitter. Criteria: Invitae Variant Classification Sherloc (09022015). Collection method: clinical testing. Allele origin: germline.
Comment: In summary, the available evidence is currently insufficient to determine the role of this variant in disease. Therefore, it has been classified as a Variant of Uncertain Significance. Advanced modeling of protein sequence and biophysical properties (such as structural, functional, and spatial information, amino acid conservation, physicochemical variation, residue mobility, and thermodynamic stability) performed at Invitae indicates that this missense variant is not expected to disrupt PTCH1 protein function. ClinVar contains an entry for this variant (Variation ID: 1017324). This variant has not been reported in the literature in individuals affected with PTCH1-related conditions. This variant is not present in population databases (gnomAD no frequency). This sequence change replaces histidine, which is basic and polar, with proline, which is neutral and non-polar, at codon 1252 of the PTCH1 protein (p.His1252Pro).